The following is an entry in ClinVar:

ClinVar aggregate classification (germline): Uncertain significance. Review status: criteria provided, multiple submitters, no conflicts (2 of 4 stars). 2 submissions from 2 submitters: Uncertain significance (2). Last evaluated 2020-02-28.

Conditions:
Brown-Vialetto-van Laere syndrome 1. Also called: BROWN-VIALETTO-VAN LAERE SYNDROME 1, MILD; BULBAR PALSY, PROGRESSIVE, WITH SENSORINEURAL DEAFNESS; PONTOBULBAR PALSY WITH DEAFNESS. Identifiers: Orphanet 572550, Orphanet 97229, MedGen C0796274, MONDO:0024537, OMIM 211530.
Inborn genetic diseases. Identifiers: MedGen C0950123, MeSH D030342.

Allele frequency attached by ClinVar (database versions not stated): gnomAD 0.00001; TOPMed below 0.00001; ExAC 0.00003; gnomAD exomes below 0.00001.
gnomAD v4.1: 8 of 1,609,728 alleles (0.0005%); highest among the groups gnomAD compares: Non-Finnish European, 0.00068%; no homozygotes.

Submissions (2):

Ambry Genetics
Classification: Uncertain significance for Inborn genetic diseases. Last evaluated: 2020-02-28. Review status: criteria provided, single submitter. Criteria: Ambry Variant Classification Scheme 2023. Collection method: clinical testing. Allele origin: germline.
Comment: The p.S458* variant (also known as c.1373C>A), located in coding exon 4 of the SLC52A3 gene, results from a C to A substitution at nucleotide position 1373. This changes the amino acid from a serine to a stop codon within coding exon 4. Premature stop codons are typically deleterious in nature, however, this stop codon occurs at the 3' terminus of SLC52A3, is not expected to trigger nonsense-mediated mRNA decay, and removes only the last 12 amino acids of the protein. The exact functional impact of these removed amino acids is unknown at this time. Since supporting evidence is limited at this time, the clinical significance of this alteration remains unclear.

Labcorp Genetics (formerly Invitae), Labcorp
Classification: Uncertain significance for Brown-Vialetto-van Laere syndrome 1. Last evaluated: 2018-10-10. Review status: criteria provided, single submitter. Criteria: Invitae Variant Classification Sherloc (09022015). Collection method: clinical testing. Allele origin: germline.
Comment: In summary, the available evidence is currently insufficient to determine the role of this variant in disease. Therefore, it has been classified as a Variant of Uncertain Significance. Algorithms developed to predict the effect of sequence changes on RNA splicing suggest that this variant may create or strengthen a splice site, but this prediction has not been confirmed by published transcriptional studies. Experimental studies and prediction algorithms are not available for this variant, and the functional significance of the affected amino acid(s) is currently unknown. This variant has not been reported in the literature in individuals with SLC52A3-related disease. The frequency data for this variant in the population databases is considered unreliable, as metrics indicate poor data quality at this position in the ExAC database. This sequence change results in a premature translational stop signal in the SLC52A3 gene (p.Ser458*). While this is not anticipated to result in nonsense mediated decay, it is expected to disrupt the last 12 amino acids of the SLC52A3 protein.

NM_033409.4(SLC52A3):c.1373C>A (p.Ser458Ter)

Gene: SLC52A3 (solute carrier family 52 member 3; minus strand). Cytogenetic location: 20p13.
Variant type: single nucleotide variant.
Coding change: c.1373C>A on transcript NM_033409.4 (MANE Select); coding-DNA position 1373, C replaced by A.
Protein change: p.Ser458Ter; replaces serine 458 with a stop codon.
Molecular consequence: nonsense.
Genome position (GRCh38, 1-based): chr20:761,063, G>T on the plus strand (C>A on the coding strand, the complement: SLC52A3 is on the minus strand). VCF-style: chr20-761063-G-T. GRCh37 (hg19) VCF-style: chr20-741707-G-T.
Other names: c.1373C>A, p.Ser458Ter (NM_001370085.1, NM_001370086.1); short protein forms S458*.
Identifiers: ClinVar variation 655082 (VCV000655082.9), dbSNP rs745750480, ClinGen allele CA9724510.